The following is an entry in ClinVar:

ClinVar aggregate classification (germline): Conflicting classifications of pathogenicity. Review status: criteria provided, conflicting classifications (1 of 4 stars). 2 submissions from 2 submitters: Pathogenic (1); Uncertain significance (1). Last evaluated 2024-11-24.

Conditions:
Familial hypocalciuric hypercalcemia (FHH). Also called: Familial benign hypercalcemia. Identifiers: Orphanet 405, MedGen C1809471, MONDO:0018458.
Autosomal dominant hypocalcemia 1 (HYPOC1). Also called: HYPOCALCEMIA, FAMILIAL. Identifiers: MedGen C3715128, MONDO:0011013, OMIM 601198.
Nephrolithiasis/nephrocalcinosis. Identifiers: MedGen CN580796.

Submissions (2):

Labcorp Genetics (formerly Invitae), Labcorp
Classification: Pathogenic for Familial hypocalciuric hypercalcemia; Autosomal dominant hypocalcemia 1. Last evaluated: 2024-11-24. Review status: criteria provided, single submitter. Criteria: Invitae Variant Classification Sherloc (09022015). Collection method: clinical testing. Allele origin: germline.
Comment: This variant, c.1738_1743del, results in the deletion of 2 amino acid(s) of the CASR protein (p.Ser580_Ala581del), but otherwise preserves the integrity of the reading frame. This variant is not present in population databases (gnomAD no frequency). This variant has not been reported in the literature in individuals affected with CASR-related conditions. This variant disrupts a region of the CASR protein in which other variant(s) (p.Ala581Val) have been determined to be pathogenic (internal data). This suggests that this is a clinically significant region of the protein, and that variants that disrupt it are likely to be disease-causing. For these reasons, this variant has been classified as Pathogenic.

Ambry Genetics
Classification: Uncertain significance for Nephrolithiasis/nephrocalcinosis. Last evaluated: 2024-05-17. Review status: criteria provided, single submitter. Criteria: Ambry Variant Classification Scheme 2023. Collection method: clinical testing. Allele origin: germline.
Comment: The c.1738_1743delAGTGCC variant (also known as p.S580_A581del) is located in coding exon 6 of the CASR gene. This variant results from an in-frame AGTGCC deletion at nucleotide positions 1738 to 1743. This results in the in-frame deletion of two residues (SA) at codons 580 to 581. This amino acid region is not well conserved in available vertebrate species. In addition, this alteration is predicted to be deleterious by in silico analysis (Choi Y et al. PLoS ONE. 2012; 7(10):e46688). In addition, the evidence for the gene-disease relationship is limited for pancreatitis and cancer predisposition; therefore, the clinical significance of this variant for CASR-related pancreatitis and cancer predisposition is unclear. Based on the available evidence, the clinical significance of this variant remains unclear.

NM_000388.4(CASR):c.1738_1743del (p.Ser580_Ala581del)

Gene: CASR (calcium sensing receptor; plus strand). Cytogenetic location: 3q21.1.
Variant type: Deletion.
Coding change: c.1738_1743del on transcript NM_000388.4 (MANE Select); coding-DNA positions 1738 to 1743, 6 bases deleted (AGTGCC; older notation c.1738_1743delAGTGCC).
Protein change: p.Ser580_Ala581del.
Molecular consequence: inframe deletion.
Genome position (GRCh38, 1-based): chr3:122,283,692-122,283,697, AGTGCC deleted; deleting any 6 consecutive bases within chr3:122,283,688-122,283,697 gives the same sequence; the c. name uses the placement nearest the transcript's 3' end. VCF-style (leftmost placement, unchanged base first): chr3-122283687-ATGCCAG-A. GRCh37 (hg19) VCF-style: chr3-122002534-ATGCCAG-A.
Other names: c.1768_1773del, p.Ser590_Ala591del (NM_001178065.2).
Identifiers: ClinVar variation 3263493 (VCV003263493.3).